The following is an entry in ClinVar:

NM_054027.6(ANKH):c.681G>A (p.Glu227=)

Gene: ANKH (ANKH inorganic pyrophosphate transport regulator; minus strand). Cytogenetic location: 5p15.2.
Variant type: single nucleotide variant.
Coding change: c.681G>A on transcript NM_054027.6 (MANE Select); coding-DNA position 681, G replaced by A.
Protein change: p.Glu227=; no amino-acid change (glutamic acid 227 retained).
Molecular consequence: synonymous variant.
Genome position (GRCh38, 1-based): chr5:14,751,075, C>T on the plus strand (G>A on the coding strand, the complement: ANKH is on the minus strand). VCF-style: chr5-14751075-C-T. GRCh37 (hg19) VCF-style: chr5-14751184-C-T.
Identifiers: ClinVar variation 351542 (VCV000351542.21), dbSNP rs144687394, ClinGen allele CA3209058.

ClinVar aggregate classification (germline): Benign/Likely benign. Review status: criteria provided, multiple submitters, no conflicts (2 of 4 stars). 7 submissions from 6 submitters: Benign (3); Likely benign (4). Last evaluated 2026-07-01.

Conditions:
Chondrocalcinosis 2. Also called: Familial calcium pyrophosphate deposition; CALCIUM GOUT; CALCIUM PYROPHOSPHATE ARTHROPATHY. Identifiers: Orphanet 1416, MedGen C0856830, MONDO:0007319, OMIM 118600.
Craniometaphyseal dysplasia, autosomal dominant (CMDD). Identifiers: Orphanet 1522, MedGen C1852502, MONDO:0007397, OMIM 123000.

Allele frequency attached by ClinVar (database versions not stated): gnomAD exomes 0.00051 and 0.00086; ExAC 0.00053; gnomAD 0.00058 and 0.00074; TOPMed 0.00076; ESP Exome Variant Server 0.00123.
gnomAD v4.1: 1,383 of 1,614,102 alleles (0.086%); highest among the groups gnomAD compares: Non-Finnish European, 0.1%; 1 homozygote.

Submissions (7):

CeGaT Center for Human Genetics Tuebingen
Classification: Likely benign. Last evaluated: 2026-07-01. Review status: criteria provided, single submitter. Criteria: CeGaT Center For Human Genetics Tuebingen Variant Classification Criteria Version 2. Collection method: clinical testing. Allele origin: germline. Affected: yes. Observed: 2 variant alleles.
Comment: ANKH: BP4, BS1

Labcorp Genetics (formerly Invitae), Labcorp
Classification: Likely benign. Last evaluated: 2025-12-31. Review status: criteria provided, single submitter. Criteria: Invitae Variant Classification Sherloc (09022015). Collection method: clinical testing. Allele origin: germline.

Blueprint Genetics
Classification: Likely benign. Last evaluated: 2024-10-18. Review status: criteria provided, single submitter. Criteria: ACMG Guidelines, 2015. Collection method: clinical testing. Allele origin: germline.

Genome-Nilou Lab
Classification: Benign for Craniometaphyseal dysplasia, autosomal dominant. Last evaluated: 2021-12-05. Review status: criteria provided, single submitter. Criteria: ACMG Guidelines, 2015. Collection method: clinical testing. Allele origin: germline. Affected: no.

GeneDx
Classification: Likely benign. Last evaluated: 2021-06-28. Review status: criteria provided, single submitter. Criteria: GeneDx Variant Classification Process June 2021. Collection method: clinical testing. Allele origin: germline. Affected: yes.

Illumina Laboratory Services, Illumina
Classification: Benign for Chondrocalcinosis 2. Last evaluated: 2018-01-12. Review status: criteria provided, single submitter. Criteria: ICSL Variant Classification Criteria 13 December 2019. Collection method: clinical testing. Allele origin: germline.
Comment: This variant was observed in the ICSL laboratory as part of a predisposition screen in an ostensibly healthy population. It had not been previously curated by ICSL or reported in the Human Gene Mutation Database (HGMD: prior to June 1st, 2018), and was therefore a candidate for classification through an automated scoring system. Utilizing variant allele frequency, disease prevalence and penetrance estimates, and inheritance mode, an automated score was calculated to assess if this variant is too frequent to cause the disease. Based on the score and internal cut-off values, a variant classified as benign is not then subjected to further curation. The score for this variant resulted in a classification of benign for this disease.

Illumina Laboratory Services, Illumina
Classification: Benign for Craniometaphyseal dysplasia, autosomal dominant. Last evaluated: 2018-01-12. Review status: criteria provided, single submitter. Criteria: ICSL Variant Classification Criteria 13 December 2019. Collection method: clinical testing. Allele origin: germline.
Comment: the same text as in the submission from Illumina Laboratory Services, Illumina above.